The following is an entry in ClinVar:

ClinVar aggregate classification (germline): Uncertain significance. Review status: criteria provided, multiple submitters, no conflicts (2 of 4 stars). 2 submissions from 2 submitters: Uncertain significance (2). Last evaluated 2024-12-14.

gnomAD v4.1: 1 of 1,614,086 alleles (0.000062%); highest among the groups gnomAD compares: Non-Finnish European, 0.000085%; no homozygotes.

Submissions (2):

Dasa
Classification: Uncertain significance. Last evaluated: 2024-12-14. Review status: criteria provided, single submitter. Criteria: DASA Assertion Criteria. Collection method: clinical testing. Allele origin: germline.
Comment: NM_003073.5(SMARCB1):c.203A>G (p.His68Arg) is a missense variant that results in the substitution of histidine with arginine. This variant is rare in population databases. The currently available literature and clinical evidence are not sufficient to establish a definitive association between this variant and the reported condition. Therefore, this variant is classified as a variant of uncertain significance.

Blueprint Genetics
Classification: Uncertain significance. Last evaluated: 2024-10-25. Review status: criteria provided, single submitter. Criteria: ACMG Guidelines, 2015. Collection method: clinical testing. Allele origin: germline.

NM_003073.5(SMARCB1):c.203A>G (p.His68Arg)

Gene: SMARCB1 (SWI/SNF related BAF chromatin remodeling complex subunit B1; plus strand). Cytogenetic location: 22q11.23.
Variant type: single nucleotide variant.
Coding change: c.203A>G on transcript NM_003073.5 (MANE Select); coding-DNA position 203, A replaced by G.
Protein change: p.His68Arg; replaces histidine 68 with arginine.
Molecular consequence: missense variant.
Genome position (GRCh38, 1-based): chr22:23,791,865, A>G. VCF-style: chr22-23791865-A-G. GRCh37 (hg19) VCF-style: chr22-24134052-A-G.
Other names: c.203A>G, p.His68Arg (NM_001007468.3, NM_001317946.2, NM_001362877.2); short protein forms H68R.
Identifiers: ClinVar variation 4883805 (VCV004883805.3).
Genomic context (GRCh38, chr22:23,791,865, plus strand): 5'-CCTCACTCTGGAGGCGACTAGCCACTGTGGAAGAGAGGAAGAAAATAGTTGCATCGTCAC[A>G]TGGTAAAAAAACAAAACCTAACACTAAGGGTGCGTCTTCACGAGGGTTTGTAAACCTGTT-3'
Protein context (NP_003064.2, residues 58-78): EERKKIVASS[His68Arg]GKKTKPNTKD